The following is an entry in ClinVar:

ClinVar aggregate classification (germline): Uncertain significance. Review status: criteria provided, multiple submitters, no conflicts (2 of 4 stars). 2 submissions from 2 submitters: Uncertain significance (2). Last evaluated 2024-06-10.

Conditions:
Hypopigmentation-punctate palmoplantar keratoderma syndrome. Also called: GUTTATE HYPOPIGMENTATION AND PUNCTATE PALMOPLANTAR KERATODERMA WITH OR WITHOUT ECTOPIC CALCIFICATION; Cole disease. Identifiers: Orphanet 324561, MedGen C3809781, MONDO:0014227, OMIM 615522.
Arterial calcification, generalized, of infancy, 1 (GACI1). Also called: Idiopathic Infantile Arterial Calcification. Identifiers: Orphanet 51608, MedGen C4551985, MONDO:0008817, OMIM 208000.
Hypophosphatemic rickets, autosomal recessive, 2 (ARHR2). Identifiers: Orphanet 289176, MedGen C2750078, MONDO:0013219, OMIM 613312.
Inherited obesity. Also called: Monogenic Obesity. Identifiers: Orphanet 77828, MedGen C4054476, MONDO:0019182, OMIM 601665.
Type 2 diabetes mellitus. Also called: Type II diabetes mellitus. Identifiers: MedGen C0011860, MeSH D003924, MONDO:0005148, OMIM 125853, HP:0005978.

Allele frequency attached by ClinVar (database versions not stated): TOPMed below 0.00001.

Submissions (2):

Fulgent Genetics
Classification: Uncertain significance for Type 2 diabetes mellitus; Arterial calcification, generalized, of infancy, 1; Inherited obesity; Hypophosphatemic rickets, autosomal recessive, 2; Hypopigmentation-punctate palmoplantar keratoderma syndrome. Last evaluated: 2024-06-10. Review status: criteria provided, single submitter. Criteria: ACMG Guidelines, 2015. Collection method: clinical testing. Allele origin: germline.

Labcorp Genetics (formerly Invitae), Labcorp
Classification: Uncertain significance. Last evaluated: 2023-05-17. Review status: criteria provided, single submitter. Criteria: Invitae Variant Classification Sherloc (09022015). Collection method: clinical testing. Allele origin: germline.
Comment: In summary, the available evidence is currently insufficient to determine the role of this variant in disease. Therefore, it has been classified as a Variant of Uncertain Significance. Algorithms developed to predict the effect of missense changes on protein structure and function output the following: SIFT: "Not Available"; PolyPhen-2: "Not Available"; Align-GVGD: "Not Available". The serine amino acid residue is found in multiple mammalian species, which suggests that this missense change does not adversely affect protein function. This variant has not been reported in the literature in individuals affected with ENPP1-related conditions. The frequency data for this variant in the population databases is considered unreliable, as metrics indicate insufficient coverage at this position in the gnomAD database. This sequence change replaces proline, which is neutral and non-polar, with serine, which is neutral and polar, at codon 20 of the ENPP1 protein (p.Pro20Ser).

NM_006208.3(ENPP1):c.58C>T (p.Pro20Ser)

Gene: ENPP1 (ectonucleotide pyrophosphatase/phosphodiesterase 1; plus strand). Cytogenetic location: 6q23.2.
Variant type: single nucleotide variant.
Coding change: c.58C>T on transcript NM_006208.3 (MANE Select); coding-DNA position 58, C replaced by T.
Protein change: p.Pro20Ser; replaces proline 20 with serine.
Molecular consequence: missense variant.
Genome position (GRCh38, 1-based): chr6:131,808,093, C>T. VCF-style: chr6-131808093-C-T. GRCh37 (hg19) VCF-style: chr6-132129233-C-T.
Other names: short protein forms P20S.
Identifiers: ClinVar variation 2876863 (VCV002876863.4), dbSNP rs926768412, ClinGen allele CA147948051.
Genomic context (GRCh38, chr6:131,808,093, plus strand): 5'-ACGATGGAGCGCGACGGCTGCGCGGGGGGCGGGAGCCGCGGCGGCGAGGGCGGGCGCGCT[C>T]CCCGGGAGGGCCCGGCGGGGAACGGCCGCGATCGGGGCCGCAGCCACGCTGCCGAGGCGC-3'
Protein context (NP_006199.2, residues 10-30): GSRGGEGGRA[Pro20Ser]REGPAGNGRD